The following is an entry in ClinVar:

ClinVar aggregate classification (germline): Uncertain significance (1 of 4 stars; one submission).

Submission:

Labcorp Genetics (formerly Invitae), Labcorp
Classification: Uncertain significance. Last evaluated: 2022-09-19. Review status: criteria provided, single submitter. Criteria: Invitae Variant Classification Sherloc (09022015). Collection method: clinical testing. Allele origin: germline.
Comment: In summary, the available evidence is currently insufficient to determine the role of this variant in disease. Therefore, it has been classified as a Variant of Uncertain Significance. Algorithms developed to predict the effect of missense changes on protein structure and function (SIFT, PolyPhen-2, Align-GVGD) all suggest that this variant is likely to be tolerated. ClinVar contains an entry for this variant (Variation ID: 1471276). This variant has not been reported in the literature in individuals affected with CDC14A-related conditions. This variant is present in population databases (no rsID available, gnomAD 0.007%). This sequence change replaces serine, which is neutral and polar, with arginine, which is basic and polar, at codon 511 of the CDC14A protein (p.Ser511Arg).

NM_003672.4(CDC14A):c.1533C>A (p.Ser511Arg)

Gene: CDC14A (cell division cycle 14A; plus strand). Cytogenetic location: 1p21.2.
Variant type: single nucleotide variant.
Coding change: c.1533C>A on transcript NM_003672.4 (MANE Select); coding-DNA position 1533, C replaced by A.
Protein change: p.Ser511Arg; replaces serine 511 with arginine.
Molecular consequence: missense variant.
Genome position (GRCh38, 1-based): chr1:100,499,040, C>A. VCF-style: chr1-100499040-C-A. GRCh37 (hg19) VCF-style: chr1-100964596-C-A.
Other names: c.1533C>A, p.Ser511Arg (NM_001319210.2, NM_033312.3); c.1359C>A, p.Ser453Arg (NM_001319211.2); c.654C>A, p.Ser218Arg (NM_001319212.2); short protein forms S453R, S218R, S511R.
Identifiers: ClinVar variation 1471276 (VCV001471276.8), dbSNP rs749753871, ClinGen allele CA341356624.